The following is an entry in ClinVar:

ClinVar aggregate classification (germline): Uncertain significance (1 of 4 stars; one submission).

Allele frequency attached by ClinVar (database versions not stated): ExAC 0.00002; gnomAD exomes 0.00002 and 0.00003; gnomAD 0.00004; TOPMed 0.00006; ESP Exome Variant Server 0.00008; 1000 Genomes Project 30x 0.00016; 1000 Genomes Project 0.00020.
gnomAD v4.1: 36 of 1,614,200 alleles (0.0022%); highest among the groups gnomAD compares: Middle Eastern, 0.016%; no homozygotes.

Submission:

Labcorp Genetics (formerly Invitae), Labcorp
Classification: Uncertain significance. Last evaluated: 2021-08-27. Review status: criteria provided, single submitter. Criteria: Invitae Variant Classification Sherloc (09022015). Collection method: clinical testing. Allele origin: germline.
Comment: This sequence change replaces arginine with glutamine at codon 1943 of the LRRK1 protein (p.Arg1943Gln). The arginine residue is highly conserved and there is a small physicochemical difference between arginine and glutamine. This variant is present in population databases (rs376808685, ExAC 0.01%). This variant has not been reported in the literature in individuals affected with LRRK1-related conditions. Algorithms developed to predict the effect of missense changes on protein structure and function are either unavailable or do not agree on the potential impact of this missense change (SIFT: "Tolerated"; PolyPhen-2: "Possibly Damaging"; Align-GVGD: "Class C0"). In summary, the available evidence is currently insufficient to determine the role of this variant in disease. Therefore, it has been classified as a Variant of Uncertain Significance.

NM_024652.6(LRRK1):c.5828G>A (p.Arg1943Gln)

Genes: LRRK1 (leucine rich repeat kinase 1; plus strand), LRRK1-AS1 (LRRK1 antisense RNA 1; minus strand). Cytogenetic location: 15q26.3.
Variant type: single nucleotide variant.
Coding change: c.5828G>A on transcript NM_024652.6 (MANE Select); coding-DNA position 5828, G replaced by A.
Protein change: p.Arg1943Gln; replaces arginine 1943 with glutamine.
Molecular consequence: missense variant.
Genome position (GRCh38, 1-based): chr15:101,066,699, G>A. VCF-style: chr15-101066699-G-A. GRCh37 (hg19) VCF-style: chr15-101606904-G-A.
Other names: short protein forms R1943Q.
Identifiers: ClinVar variation 1399651 (VCV001399651.5), dbSNP rs376808685, ClinGen allele CA7762266.